The following is an entry in ClinVar:

ClinVar aggregate classification (germline): Pathogenic/Likely pathogenic. Review status: criteria provided, multiple submitters, no conflicts (2 of 4 stars). 5 submissions from 5 submitters: Pathogenic (1); Likely pathogenic (3). 1 of the submissions does not count toward it. Last evaluated 2025-09-29.

Conditions:
Glutaric aciduria, type 1. Also called: GA I; Glutaricaciduria, type I; Glutaric Acidemia Type 1; Glutaricacidemia Type 1; Glutaryl-CoA dehydrogenase deficiency; Glutaric acidemia type I. Identifiers: Orphanet 25, MedGen C0268595, MONDO:0009281, OMIM 231670.

Allele frequency attached by ClinVar (database versions not stated): gnomAD exomes below 0.00001; TOPMed 0.00002.
gnomAD v4.1: 2 of 1,611,954 alleles (0.00012%); highest among the groups gnomAD compares: Admixed American, 0.0017%; no homozygotes.

Submissions (5):

Natera, Inc.
Classification: Likely pathogenic for Glutaric acidemia type 1. Last evaluated: 2025-09-29. Review status: criteria provided, single submitter. Criteria: Natera Variant Classification Schema (03/2026). Collection method: clinical testing. Allele origin: germline.
Comment: The c.700C>T variant in GCDH is a missense variant predicted to cause substitution of arginine to tryptophan at amino acid 234. This variant is rare in the general population with a frequency below the threshold expected for the associated phenotype(s). This variant has been observed in one or more individuals affected with the associated recessive disease, as either homozygous or compound heterozygous with a second variant (PMID: 39519275, 38582244, 30570710). Additionally, this variant has been observed to segregate in affected family members (PMID: 30570710). Computational prediction algorithms indicate this variant is likely to affect gene or protein function. Given the available evidence, this variant is classified as Likely Pathogenic.

Fulgent Genetics
Classification: Likely pathogenic for Glutaric aciduria, type 1. Last evaluated: 2024-01-22. Review status: criteria provided, single submitter. Criteria: ACMG Guidelines, 2015. Collection method: clinical testing. Allele origin: germline.

Women's Health and Genetics/Laboratory Corporation of America, LabCorp
Classification: Likely pathogenic for Glutaric aciduria, type 1. Last evaluated: 2023-06-21. Review status: criteria provided, single submitter. Criteria: LabCorp Variant Classification Summary - May 2015. Collection method: clinical testing. Allele origin: germline.
Comment: Variant summary: GCDH c.700C>T (p.Arg234Trp) results in a non-conservative amino acid change located in the Acyl-CoA oxidase/dehydrogenase, central domain (IPR006091) of the encoded protein sequence. Five of five in-silico tools predict a damaging effect of the variant on protein function. The variant was absent in 251420 control chromosomes. c.700C>T has been reported in the literature in individuals affected with Glutaric Acidemia Type 1 (e.g., Wang_2014, Pokora_2019). These data indicate that the variant is likely to be associated with disease. To our knowledge, no experimental evidence demonstrating an impact on protein function has been reported. The following publications have been ascertained in the context of this evaluation (PMID: 33728242, 30570710, 25190159). Three clinical diagnostic laboratories have submitted clinical-significance assessments for this variant to ClinVar after 2014 with conflicting assessments (Pathogenic, n = 1; Likely pathogenic, n = 1; Uncertain significance, n = 1). Based on the evidence outlined above, the variant was classified as likely pathogenic.

Labcorp Genetics (formerly Invitae), Labcorp
Classification: Pathogenic for Glutaric aciduria, type 1. Last evaluated: 2023-05-24. Review status: criteria provided, single submitter. Criteria: Invitae Variant Classification Sherloc (09022015). Collection method: clinical testing. Allele origin: germline.
Comment: For these reasons, this variant has been classified as Pathogenic. Advanced modeling of protein sequence and biophysical properties (such as structural, functional, and spatial information, amino acid conservation, physicochemical variation, residue mobility, and thermodynamic stability) performed at Invitae indicates that this missense variant is expected to disrupt GCDH protein function. ClinVar contains an entry for this variant (Variation ID: 552581). This missense change has been observed in individual(s) with glutaric acidemia type I (PMID: 25190159, 30570710; Invitae). In at least one individual the data is consistent with being in trans (on the opposite chromosome) from a pathogenic variant. This variant is not present in population databases (gnomAD no frequency). This sequence change replaces arginine, which is basic and polar, with tryptophan, which is neutral and slightly polar, at codon 234 of the GCDH protein (p.Arg234Trp).

Counsyl
Classification: Uncertain significance for Glutaric aciduria, type 1. Last evaluated: 2017-06-21. Review status: no assertion criteria provided. Collection method: clinical testing. Allele origin: unknown. Not counted in ClinVar's aggregate classification.

Literature cited by the submitters: PubMed 39519275 (cited by Natera, Inc.); PubMed 38582244 (cited by Natera, Inc.); PubMed 30570710 (cited by 3 submitters); PubMed 33728242 (cited by Women's Health and Genetics/Laboratory Corporation of America, LabCorp); PubMed 25190159 (cited by 3 submitters).

NM_000159.4(GCDH):c.700C>T (p.Arg234Trp)

Gene: GCDH (glutaryl-CoA dehydrogenase; plus strand). Cytogenetic location: 19p13.13.
Variant type: single nucleotide variant.
Coding change: c.700C>T on transcript NM_000159.4 (MANE Select); coding-DNA position 700, C replaced by T.
Protein change: p.Arg234Trp; replaces arginine 234 with tryptophan.
Molecular consequence: missense variant. On other transcripts: non-coding transcript variant (2).
Genome position (GRCh38, 1-based): chr19:12,896,269, C>T. VCF-style: chr19-12896269-C-T. GRCh37 (hg19) VCF-style: chr19-13007083-C-T.
Other names: c.700C>T, p.Arg234Trp (NM_013976.5); short protein forms R234W.
Identifiers: ClinVar variation 552581 (VCV000552581.21), dbSNP rs964724051, ClinGen allele CA305500647.